The following is an entry in ClinVar:

ClinVar aggregate classification (germline): Pathogenic (1 of 4 stars; one submission).

Submission:

GeneDx
Classification: Pathogenic. Last evaluated: 2019-03-18. Review status: criteria provided, single submitter. Criteria: GeneDx Variant Classification (06012015). Collection method: clinical testing. Allele origin: germline. Affected: yes.
Comment: The c.1716_1717insC variant in the SETD5 gene has not been reported previously as a pathogenic variant nor as a benign variant, to our knowledge. The c.1716_1717insC variant causes a frameshift starting with codon Asparagine 573, changes this amino acid to a Glutamine residue, and creates a premature Stop codon at position 40 of the new reading frame, denoted p.Asn573GlnfsX40. This variant is predicted to cause loss of normal protein function either through protein truncation or nonsense-mediated mRNA decay. The c.1716_1717insC variant is not observed in large population cohorts (Lek et al., 2016). We interpret c.1716_1717insC as a pathogenic variant.

NM_001080517.3(SETD5):c.1716_1717insC (p.Asn573fs)

Gene: SETD5 (SET domain containing 5; plus strand). Cytogenetic location: 3p25.3.
Variant type: Insertion.
Coding change: c.1716_1717insC on transcript NM_001080517.3 (MANE Select); coding-DNA positions 1716 to 1717, C inserted.
Protein change: p.Asn573fs; shifts the reading frame from asparagine 573.
Molecular consequence: frameshift variant.
Genome position: GRCh38 VCF-style: chr3-9447241-A-AC. GRCh37 (hg19) VCF-style: chr3-9488925-A-AC.
Other names: c.1422_1423insC, p.Asn475fs (NM_001292043.2, NM_001349451.2); short protein forms N475fs, N573fs.
Identifiers: ClinVar variation 818037 (VCV000818037.1), dbSNP rs1575467870, ClinGen allele CA915941816.
Genomic context (GRCh38, chr3:9,447,241, plus strand): 5'-TCCTGTTGGTGAAGAGACAAAAACTGAAGCCCCTGAATCTGAAGTTAGCAACTCTGTTTC[A>AC]AATGTTACCATCCCAAGCACCCCACAGAGTGTTGGTGTGAATACCCGGAGGTCTTCCCAA-3'